The following is an entry in ClinVar:

ClinVar aggregate classification (germline): Conflicting classifications of pathogenicity. Review status: criteria provided, conflicting classifications (1 of 4 stars). 16 submissions from 15 submitters: Uncertain significance (9); Benign (1); Likely benign (2). 4 of the submissions do not count toward it. Last evaluated 2026-01-24.

Conditions:
Inborn genetic diseases. Identifiers: MedGen C0950123, MeSH D030342.
Fanconi anemia complementation group Q. Identifiers: Orphanet 84, MedGen C3808988, MONDO:0014108, OMIM 615272.
Xeroderma pigmentosum, group F (XPF). Also called: XERODERMA PIGMENTOSUM VI; XP, GROUP F; XERODERMA PIGMENTOSUM, TYPE F; Xeroderma pigmentosum, type 6; XERODERMA PIGMENTOSUM, COMPLEMENTATION GROUP F; ERCC4-Related Xeroderma Pigmentosum. Identifiers: MedGen C0268140, MONDO:0010215, OMIM 278760.
Cockayne syndrome. Identifiers: Orphanet 191, MedGen C0009207, MONDO:0016006.
Hereditary cancer-predisposing syndrome. Also called: Tumor predisposition; Hereditary neoplastic syndrome; Neoplastic Syndromes, Hereditary; Hereditary Cancer Syndrome. Identifiers: Orphanet 140162, MedGen C0027672, MeSH D009386, MONDO:0015356.
XFE progeroid syndrome (XFEPS). Also called: XPF-ERCC1 PROGEROID SYNDROME. Identifiers: MedGen C1970416, MONDO:0012590, OMIM 610965.
Xeroderma pigmentosum (XP). Identifiers: Orphanet 910, MedGen C0043346, MONDO:0019600.

Allele frequency attached by ClinVar (database versions not stated): ExAC 0.00054; gnomAD exomes 0.00069; 1000 Genomes Project 30x 0.00078; gnomAD 0.00081 and 0.00082; TOPMed 0.00084; ESP Exome Variant Server 0.00085; 1000 Genomes Project 0.00100.
gnomAD v4.1: 2,068 of 1,614,124 alleles (0.13%); highest among the groups gnomAD compares: Non-Finnish European, 0.16%; 1 homozygote.

Submissions 1 to 13 of 16:

Labcorp Genetics (formerly Invitae), Labcorp
Classification: Likely benign for Fanconi anemia complementation group Q; Xeroderma pigmentosum, group F; Cockayne syndrome. Last evaluated: 2026-01-24. Review status: criteria provided, single submitter. Criteria: Invitae Variant Classification Sherloc (09022015). Collection method: clinical testing. Allele origin: germline.

St. Jude Molecular Pathology, St. Jude Children's Research Hospital
Classification: Uncertain significance for Xeroderma pigmentosum, group F. Last evaluated: 2025-02-05. Review status: criteria provided, single submitter. Criteria: St. Jude Assertion Criteria 2020. Collection method: clinical testing. Allele origin: germline.
Comment: The ERCC4 c.1727G>C (p.Arg576Thr) missense change has a maximum subpopulation frequency of 0.13% in gnomAD v2.1.1. The in silico tool REVEL predicts a benign effect on protein function, but this prediction has not been confirmed by functional studies. This variant has been reported in individuals with breast cancer (PMID: 32008151, 34117267), head and neck squamous cell carcinoma (PMID: 28678401), and pancreatic ductal adenocarcinoma (PMID: 28767289). This variant has not been reported in individuals with Fanconi anemia or Xeroderma pigmentosum. In summary, the evidence currently available is insufficient to determine the clinical significance of this variant. It has therefore been classified as of uncertain significance.

Blueprint Genetics
Classification: Likely benign. Last evaluated: 2024-11-26. Review status: criteria provided, single submitter. Criteria: ACMG Guidelines, 2015. Collection method: clinical testing. Allele origin: germline.

Molecular Diagnostics Laboratory, Catalan Institute of Oncology
Classification: Benign for Hereditary cancer-predisposing syndrome. Last evaluated: 2024-11-24. Review status: criteria provided, single submitter. Criteria: ACMG Guidelines, 2015. Collection method: clinical testing. Allele origin: germline.
Comment: BA1, BP4 c.1727G>C, located in exon 8 of the ERCC4 gene, is predicted to result in the substitution of Arginine by Threonine at codon 576, p.(Arg576Thr). The variant allele was found in 112/116872 alleles, with a filtering allele frequency of 0.08% at 95% confidence, within the NFE population in the gnomAD v2.1.1 database (non-cancer data set) (BA1). The SpliceAI algorithm predicts no significant impact on splicing. The REVEL meta-predictor score for this variant (0.27) suggests that it does not affect the protein function according Pejaver 2022 thresholds (PMID: 36413997) (BP4). It has been reported in individuals with breast cancer (PMID: 32008151, 34117267), head and neck squamous cell carcinoma (PMID: 28678401), and pancreatic ductal adenocarcinoma (PMID: 28767289). It has been reported in ClinVar (1x likely benign, 11x uncertain significance, 1x not provided). Based on currently available information, c.1727G>C is classified as a benign variant.

St. Jude Molecular Pathology, St. Jude Children's Research Hospital
Classification: Uncertain significance for Fanconi anemia complementation group Q. Last evaluated: 2022-08-17. Review status: criteria provided, single submitter. Criteria: St. Jude Assertion Criteria 2020. Collection method: clinical testing. Allele origin: germline.
Comment: The ERCC4 c.1727G>C (p.Arg576Thr) missense change has a maximum subpopulation frequency of 0.13% in gnomAD v2.1.1. The in silico tool REVEL predicts a benign effect on protein function, but to our knowledge this prediction has not been confirmed by functional studies. This variant has been reported in individuals with breast cancer (PMID: 32008151, 34117267), head and neck squamous cell carcinoma (PMID: 28678401), and pancreatic ductal adenocarcinoma (PMID: 28767289). To our knowledge, this variant has not been reported in individuals with Fanconi anemia or Xeroderma pigmentosum. In summary, the evidence currently available is insufficient to determine the clinical significance of this variant. It has therefore been classified as of uncertain significance.

Sema4
Classification: Uncertain significance for Xeroderma pigmentosum. Last evaluated: 2022-01-04. Review status: criteria provided, single submitter. Criteria: Sema4 Curation Guidelines. Collection method: curation. Allele origin: germline.
Comment: The ERCC4 c.1727G>C (p.R576T) variant has been reported in individuals with breast cancer, pancreatic adenocarcinoma, head and neck squamous cell carcinoma, as well as healthy controls (PMID: 28767289, 28678401, 32008151, 24728327, doi 10.1200/PO.18.00090). It has been reported in a case-control study of breast cancer in 13/4807 cases and 16/4782 controls (PMID: 34117267). This variant was observed in 45/35426 chromosomes in the Latino subpopulation according to the Genome Aggregation Database (PMID: 32461654). This variant has been reported in ClinVar (Variation ID: 134158). In silico tools are inconclusive, though one functional study suggests that the variant has reduced repair capacity in lymphoblastoid cell lines stressed with UV light (doi 10.1200/PO.18.00090). The overall evidence is insufficient to meet ACMG/AMP criteria for classifying it as benign or pathogenic. In summary, the clinical significance of this variant is currently uncertain.

Ambry Genetics
Classification: Uncertain significance for Inborn genetic diseases. Last evaluated: 2021-11-16. Review status: criteria provided, single submitter. Criteria: Ambry Variant Classification Scheme 2023. Collection method: clinical testing. Allele origin: germline.

Institute for Clinical Genetics, University Hospital TU Dresden, University Hospital TU Dresden
Classification: Uncertain significance. Last evaluated: 2021-11-03. Review status: criteria provided, single submitter. Criteria: ACMG Guidelines, 2015. Collection method: clinical testing. Allele origin: germline.

Genetic Services Laboratory, University of Chicago
Classification: Uncertain significance. Last evaluated: 2021-09-09. Review status: criteria provided, single submitter. Criteria: ACMG Guidelines, 2015. Collection method: clinical testing. Allele origin: germline. Affected: no.
Comment: DNA sequence analysis of the ERCC4 gene demonstrated a sequence change, c.1727G>C, in exon 8 that results in an amino acid change, p.Arg576Thr. This sequence change has been described in the gnomAD database with a frequency of 0.13% in the Latino sub-population (dbSNP rs1800068). The p.Arg576Thr change has been reported in individuals with head and neck carcinoma and pancreatic cancer (PMIDs: 28678401, 28767289). The p.Arg576Thr change affects a moderately conserved amino acid residue located in a domain of the ERCC4 protein that is known to be functional. The p.Arg576Thr substitution appears to be benign using several in-silico pathogenicity prediction tools (SIFT, PolyPhen2, Align GVGD, REVEL). Due to these contrasting evidences and the lack of functional studies, the clinical significance of the p.Arg576Thr change remains unknown at this time.

Baylor Genetics
Classification: Uncertain significance for Fanconi anemia complementation group Q. Last evaluated: 2019-09-26. Review status: criteria provided, single submitter. Criteria: ACMG Guidelines, 2015. Collection method: clinical testing. Allele origin: unknown. Affected: yes. Study: CSER-TexasKidsCanSeq.
Comment: This variant was determined to be of uncertain significance according to ACMG Guidelines, 2015 [PMID:25741868].

Illumina Laboratory Services, Illumina
Classification: Uncertain significance for Xeroderma pigmentosum, group F. Last evaluated: 2017-04-27. Review status: criteria provided, single submitter. Criteria: ICSL Variant Classification Criteria 13 December 2019. Collection method: clinical testing. Allele origin: germline.

Center for Genomics, Ann and Robert H. Lurie Children's Hospital of Chicago
Classification: Uncertain significance for XFE progeroid syndrome; Fanconi anemia complementation group Q; Xeroderma pigmentosum, group F. Review status: criteria provided, single submitter. Criteria: ACMG Guidelines, 2015. Collection method: clinical testing. Allele origin: germline.
Comment: ERCC4 NM_005236.2 exon 8 p.Arg576Thr (c.1727G>C):This variant has been reported in the literature in at least 4 individuals: 1 with head/neck squamous cell carcinoma, 3 with pancreatic ductal adenocarcinoma (Chanrasekharappa 2017 PMID:28678401, Shindo 2017 PMID:28767289). This variant is present in 0.1% (29/15276) of Latino alleles in the Genome Aggregation Database This variant is present in ClinVar (Variation ID:134158). Evolutionary conservation and computational predictive tools for this variant are unclear. In summary, data on this variant is insufficient for disease classification. Therefore, the clinical significance of this variant is uncertain.

ITMI
No classification provided. Condition: AllHighlyPenetrant. Last evaluated: 2013-09-19. Review status: no classification provided. Collection method: reference population. Allele origin: germline. Not counted in ClinVar's aggregate classification.
Comment: Please see associated publication for description of ethnicities

NM_005236.3(ERCC4):c.1727G>C (p.Arg576Thr)

Gene: ERCC4 (ERCC excision repair 4, endonuclease catalytic subunit; plus strand). Cytogenetic location: 16p13.12.
Variant type: single nucleotide variant.
Coding change: c.1727G>C on transcript NM_005236.3 (MANE Select); coding-DNA position 1727, G replaced by C.
Protein change: p.Arg576Thr; replaces arginine 576 with threonine.
Molecular consequence: missense variant.
Genome position (GRCh38, 1-based): chr16:13,935,659, G>C. VCF-style: chr16-13935659-G-C. GRCh37 (hg19) VCF-style: chr16-14029516-G-C.
Other names: short protein forms R576T.
Identifiers: ClinVar variation 134158 (VCV000134158.32), dbSNP rs1800068, ClinGen allele CA158936.
Genomic context (GRCh38, chr16:13,935,659, plus strand): 5'-CGCTTCTGGGTTGCAGCGACCCCTATGCTCTGACAAGGGTACTACATGAAGTGGAGCCAA[G>C]ATACGTGGTTCTTTATGACGCAGAGCTAACCTTTGTTCGGCAGCTTGAAATTTACAGGGC-3'
Protein context (NP_005227.1, residues 566-586): LTRVLHEVEP[Arg576Thr]YVVLYDAELT